The following is an entry in ClinVar:

ClinVar aggregate classification (germline): Uncertain significance (1 of 4 stars; one submission).

Submission:

GeneDx
Classification: Uncertain significance. Last evaluated: 2026-03-06. Review status: criteria provided, single submitter. Criteria: GeneDx Variant Classification Process June 2021. Collection method: clinical testing. Allele origin: germline.
Comment: Not observed at significant frequency in large population cohorts (gnomAD); In silico analysis suggests that this missense variant does not alter protein structure/function; Has not been previously published as pathogenic or benign to our knowledge

NM_006421.5(ARFGEF1):c.3051A>C (p.Glu1017Asp)

Gene: ARFGEF1 (ARF guanine nucleotide exchange factor 1; minus strand). Cytogenetic location: 8q13.2.
Variant type: single nucleotide variant.
Coding change: c.3051A>C on transcript NM_006421.5 (MANE Select); coding-DNA position 3051, A replaced by C.
Protein change: p.Glu1017Asp; replaces glutamic acid 1017 with aspartic acid.
Molecular consequence: missense variant. On other transcripts: non-coding transcript variant (1).
Genome position (GRCh38, 1-based): chr8:67,238,822, T>G on the plus strand (A>C on the coding strand, the complement: ARFGEF1 is on the minus strand). VCF-style: chr8-67238822-T-G. GRCh37 (hg19) VCF-style: chr8-68151057-T-G.
Other names: c.3051A>C, p.Glu1017Asp (NM_001413184.1, NM_001413185.1, NM_001413186.1 and 6 more transcripts); c.2451A>C, p.Glu817Asp (NM_001413188.1, NM_001413193.1, NM_001413197.1); c.3045A>C, p.Glu1015Asp (NM_001413190.1); c.1626A>C, p.Glu542Asp (NM_001413196.1); short protein forms E542D, E1017D, E1015D, E817D.
Identifiers: ClinVar variation 5008042 (VCV005008042.1).